The following is an entry in ClinVar:

ClinVar aggregate classification (germline): Likely benign. Review status: criteria provided, multiple submitters, no conflicts (2 of 4 stars). 3 submissions from 3 submitters: Likely benign (3). Last evaluated 2026-05-13.

Conditions:
IMPDH1-related disorder. Also called: IMPDH1-related disorders; IMPDH1-related condition.
Retinal dystrophy. Also called: Inherited retinal dystrophy. Identifiers: Orphanet 71862, MedGen C0854723, MeSH D058499, MONDO:0019118, HP:0000556.

Allele frequency attached by ClinVar (database versions not stated): ExAC 0.00001; gnomAD exomes 0.00002 and 0.00006; gnomAD 0.00003.
gnomAD v4.1: 90 of 1,613,918 alleles (0.0056%); highest among the groups gnomAD compares: Non-Finnish European, 0.0069%; no homozygotes.

Submissions (3):

PreventionGenetics, part of Exact Sciences
Classification: Likely benign for IMPDH1-related condition. Last evaluated: 2026-05-13. Review status: criteria provided, single submitter. Criteria: ACMG Guidelines, 2015. Collection method: clinical testing. Allele origin: germline.
Comment: This variant is classified as likely benign based on ACMG/AMP sequence variant interpretation guidelines (Richards et al. 2015 PMID: 25741868, with internal and published modifications).

Labcorp Genetics (formerly Invitae), Labcorp
Classification: Likely benign. Last evaluated: 2023-12-11. Review status: criteria provided, single submitter. Criteria: Invitae Variant Classification Sherloc (09022015). Collection method: clinical testing. Allele origin: germline.

Dept Of Ophthalmology, Nagoya University
Classification: Likely benign for Retinal dystrophy. Last evaluated: 2023-10-01. Review status: criteria provided, single submitter. Criteria: Submitter's publication. Collection method: research. Allele origin: germline. Affected: yes.

NM_000883.4(IMPDH1):c.1743G>A (p.Ser581=)

Gene: IMPDH1 (inosine monophosphate dehydrogenase 1; minus strand). Cytogenetic location: 7q32.1.
Variant type: single nucleotide variant.
Coding change: c.1743G>A on transcript NM_000883.4 (MANE Select); coding-DNA position 1743, G replaced by A.
Protein change: p.Ser581=; no amino-acid change (serine 581 retained).
Molecular consequence: synonymous variant.
Genome position (GRCh38, 1-based): chr7:128,394,313, C>T on the plus strand (G>A on the coding strand, the complement: IMPDH1 is on the minus strand). VCF-style: chr7-128394313-C-T. GRCh37 (hg19) VCF-style: chr7-128034367-C-T.
Other names: c.1743G>A (NM_000883.3); c.1713G>A, p.Ser571= (NM_001102605.2); c.1488G>A, p.Ser496= (NM_001142573.2); c.1473G>A, p.Ser491= (NM_001142574.2); c.1413G>A, p.Ser471= (NM_001142575.2); c.1644G>A, p.Ser548= (NM_001142576.2); c.1536G>A, p.Ser512= (NM_001304521.2); c.1635G>A, p.Ser545= (NM_183243.3).
Identifiers: ClinVar variation 1626338 (VCV001626338.10), dbSNP rs765536215, ClinGen allele CA4470728.
Genomic context (GRCh38, chr7:128,394,313, plus strand): 5'-ACAGCAAGGAGGCCACCACACTTACGAGTGCAGGCCATGGACACCACCCTCAATCTGGGC[C>T]GACATGGTCCGCTTCTCAAACTTGAGCTCTCCTGAGTACATCATGGACCTAGGAGGAAGG-3'
Protein context (NP_000874.2, residues 571-591): GELKFEKRTM[Ser581=]AQIEGGVHGL